The following is an entry in ClinVar:

NM_001034853.2(RPGR):c.310+6G>A

Gene: RPGR (retinitis pigmentosa GTPase regulator; minus strand). Cytogenetic location: Xp11.4.
Variant type: single nucleotide variant.
Coding change: c.310+6G>A on transcript NM_001034853.2 (MANE Select); 6 bases into the intron after coding-DNA position 310, G replaced by A.
Molecular consequence: intron variant.
Genome position (GRCh38, 1-based): chrX:38,321,021, C>T on the plus strand (G>A on the coding strand, the complement: RPGR is on the minus strand). VCF-style: chrX-38321021-C-T. GRCh37 (hg19) VCF-style: chrX-38180274-C-T.
Other names: c.310+6G>A (NM_001367249.1, NM_001367250.1, NM_001367245.1 and 4 more transcripts); c.340+6G>A (NM_001367248.1).
Identifiers: ClinVar variation 4806787 (VCV004806787.1).
Genomic context (GRCh38, chrX:38,321,021, plus strand): 5'-ACGTTACTGGAATGAGACCTCAGTTCTCAAAGTCAGGCAGGAAATCATACAGGTTGAGCA[C>T]TATACCTGTTGACACCAGGGTGTGGTTCCTTCCACAGGCAGCTAATTTCACTTTTTCAGG-3'

ClinVar aggregate classification (germline): Uncertain significance (1 of 4 stars; one submission).

Conditions:
Primary ciliary dyskinesia. Also called: Ciliary dyskinesia. Identifiers: Orphanet 244, MedGen C0008780, MONDO:0016575, HP:0012265.

gnomAD v4.1: 1 of 1,193,899 alleles (0.000084%); highest among the groups gnomAD compares: Non-Finnish European, 0.00011%; no homozygotes.

Submission:

Labcorp Genetics (formerly Invitae), Labcorp
Classification: Uncertain significance for Primary ciliary dyskinesia. Last evaluated: 2025-07-09. Review status: criteria provided, single submitter. Criteria: Invitae Variant Classification Sherloc (09022015). Collection method: clinical testing. Allele origin: germline.
Comment: This sequence change falls in intron 4 of the RPGR gene. It does not directly change the encoded amino acid sequence of the RPGR protein. It affects a nucleotide within the consensus splice site. This variant is not present in population databases (gnomAD no frequency). This variant has not been reported in the literature in individuals affected with RPGR-related conditions. Variants that disrupt the consensus splice site are a relatively common cause of aberrant splicing (PMID: 17576681, 9536098). Algorithms developed to predict the effect of sequence changes on RNA splicing suggest that this variant is not likely to affect RNA splicing. In summary, the available evidence is currently insufficient to determine the role of this variant in disease. Therefore, it has been classified as a Variant of Uncertain Significance.

Literature cited by the submitters: PubMed 17576681; PubMed 9536098.